The following is an entry in ClinVar:

NM_198253.3(TERT):c.2582+11C>T

Gene: TERT (telomerase reverse transcriptase; minus strand). Cytogenetic location: 5p15.33.
Variant type: single nucleotide variant.
Coding change: c.2582+11C>T on transcript NM_198253.3 (MANE Select); 11 bases into the intron after coding-DNA position 2582, C replaced by T.
Molecular consequence: intron variant.
Genome position (GRCh38, 1-based): chr5:1,268,509, G>A on the plus strand (C>T on the coding strand, the complement: TERT is on the minus strand). VCF-style: chr5-1268509-G-A. GRCh37 (hg19) VCF-style: chr5-1268624-G-A.
Other names: c.2582+11C>T (NM_001193376.3).
Identifiers: ClinVar variation 350723 (VCV000350723.18), dbSNP rs180675821, ClinGen allele CA3184459.

ClinVar aggregate classification (germline): Benign/Likely benign. Review status: criteria provided, multiple submitters, no conflicts (2 of 4 stars). 8 submissions from 5 submitters: Benign (5); Likely benign (3). Last evaluated 2026-01-26.

Conditions:
Acute myeloid leukemia (AML). Also called: Leukemia, acute myeloid, somatic; Leukemia, acute myelogenous, somatic; Acute myeloid leukemia, adult; AML adult; Acute non-lymphocytic leukemia; Acute granulocytic leukemia. Identifiers: Orphanet 519, MedGen C0023467, MeSH D015470, MONDO:0018874, OMIM 601626, HP:0004808. Disease mechanism: Constitutively activated FLT3.
Melanoma, cutaneous malignant, susceptibility to, 9. Also called: Cutaneous malignant melanoma 9. Identifiers: Orphanet 618, MedGen C3554574, MONDO:0014056, OMIM 615134.
Dyskeratosis congenita, autosomal dominant 2. Identifiers: MedGen C3151443, MONDO:0013521, OMIM 613989.
Idiopathic Pulmonary Fibrosis. Also called: Idiopathic fibrosing alveolitis, chronic form; idiopathic fibrosing alveolitis. Identifiers: Orphanet 2032, MedGen C1800706, MeSH D054990, MONDO:0800504.
Pulmonary fibrosis and/or bone marrow failure, Telomere-related, 1. Also called: PULMONARY FIBROSIS AND/OR BONE MARROW FAILURE SYNDROME, TELOMERE-RELATED, 1. Identifiers: Orphanet 88, MedGen C3553617, MONDO:0013878, OMIM 614742.
Aplastic anemia. Identifiers: Orphanet 88, MedGen C0002874, MONDO:0015909, OMIM 609135, HP:0001915, Orphanet 182040.

Allele frequency attached by ClinVar (database versions not stated): gnomAD exomes 0.00046 and 0.00093; gnomAD 0.00049 and 0.00036; TOPMed 0.00050; ESP Exome Variant Server 0.00008; ExAC 0.00094; 1000 Genomes Project 30x 0.00187; 1000 Genomes Project 0.00220.
gnomAD v4.1: 748 of 1,610,360 alleles (0.046%); highest among the groups gnomAD compares: East Asian, 1.5%; 5 homozygotes.

Submissions (8):

Labcorp Genetics (formerly Invitae), Labcorp
Classification: Benign for Dyskeratosis congenita, autosomal dominant 2; Idiopathic Pulmonary Fibrosis. Last evaluated: 2026-01-26. Review status: criteria provided, single submitter. Criteria: Invitae Variant Classification Sherloc (09022015). Collection method: clinical testing. Allele origin: germline.

KCCC/NGS Laboratory, Kuwait Cancer Control Center
Classification: Benign for Melanoma, cutaneous malignant, susceptibility to, 9. Last evaluated: 2025-02-01. Review status: criteria provided, single submitter. Criteria: ACMG Guidelines, 2015. Collection method: clinical testing. Allele origin: germline. Affected: no.

Blueprint Genetics
Classification: Likely benign. Last evaluated: 2024-09-13. Review status: criteria provided, single submitter. Criteria: ACMG Guidelines, 2015. Collection method: clinical testing. Allele origin: germline.

KCCC/NGS Laboratory, Kuwait Cancer Control Center
Classification: Likely benign for Acute myeloid leukemia. Last evaluated: 2023-07-07. Review status: criteria provided, single submitter. Criteria: ACMG Guidelines, 2015. Collection method: clinical testing. Allele origin: germline. Affected: yes.

GeneDx
Classification: Likely benign. Last evaluated: 2022-04-22. Review status: criteria provided, single submitter. Criteria: GeneDx Variant Classification Process June 2021. Collection method: clinical testing. Allele origin: germline. Affected: yes.

Illumina Laboratory Services, Illumina
Classification: Benign for Pulmonary fibrosis and/or bone marrow failure, Telomere-related, 1. Last evaluated: 2018-01-13. Review status: criteria provided, single submitter. Criteria: ICSL Variant Classification Criteria 13 December 2019. Collection method: clinical testing. Allele origin: germline.
Comment: This variant was observed in the ICSL laboratory as part of a predisposition screen in an ostensibly healthy population. It had not been previously curated by ICSL or reported in the Human Gene Mutation Database (HGMD: prior to June 1st, 2018), and was therefore a candidate for classification through an automated scoring system. Utilizing variant allele frequency, disease prevalence and penetrance estimates, and inheritance mode, an automated score was calculated to assess if this variant is too frequent to cause the disease. Based on the score and internal cut-off values, a variant classified as benign is not then subjected to further curation. The score for this variant resulted in a classification of benign for this disease.

Illumina Laboratory Services, Illumina
Classification: Benign for Dyskeratosis congenita, autosomal dominant 2. Last evaluated: 2018-01-13. Review status: criteria provided, single submitter. Criteria: ICSL Variant Classification Criteria 13 December 2019. Collection method: clinical testing. Allele origin: germline.
Comment: the same text as in the submission from Illumina Laboratory Services, Illumina above.

Illumina Laboratory Services, Illumina
Classification: Benign for Aplastic anemia. Last evaluated: 2018-01-13. Review status: criteria provided, single submitter. Criteria: ICSL Variant Classification Criteria 13 December 2019. Collection method: clinical testing. Allele origin: germline.
Comment: the same text as in the submission from Illumina Laboratory Services, Illumina above.